The following is an entry in ClinVar:

ClinVar aggregate classification (germline): Pathogenic. Review status: criteria provided, single submitter (1 of 4 stars). 2 submissions from 2 submitters: Pathogenic (1). 1 of the submissions does not count toward it. Last evaluated 2023-01-14.

Conditions:
Ornithine carbamoyltransferase deficiency (OTCD). Also called: ORNITHINE TRANSCARBAMYLASE DEFICIENCY, HYPERAMMONEMIA DUE TO; ORNITHINE TRANSCARBAMYLASE DEFICIENCY; OTC DEFICIENCY; Ornithine Carbamoyltransferase Deficiency Disease. Identifiers: Orphanet 664, MedGen C0268542, MONDO:0010703, OMIM 311250.

Submissions (2):

Labcorp Genetics (formerly Invitae), Labcorp
Classification: Pathogenic for Ornithine carbamoyltransferase deficiency. Last evaluated: 2023-01-14. Review status: criteria provided, single submitter. Criteria: Invitae Variant Classification Sherloc (09022015). Collection method: clinical testing. Allele origin: germline.
Comment: For these reasons, this variant has been classified as Pathogenic. Algorithms developed to predict the effect of sequence changes on RNA splicing suggest that this variant may create or strengthen a splice site. Advanced modeling of protein sequence and biophysical properties (such as structural, functional, and spatial information, amino acid conservation, physicochemical variation, residue mobility, and thermodynamic stability) performed at Invitae indicates that this missense variant is expected to disrupt OTC protein function. ClinVar contains an entry for this variant (Variation ID: 97360). This missense change has been observed in individual(s) with OTC deficiency (PMID: 16786505, 33272297). In at least one individual the variant was observed to be de novo. This variant is not present in population databases (gnomAD no frequency). This sequence change replaces proline, which is neutral and non-polar, with arginine, which is basic and polar, at codon 305 of the OTC protein (p.Pro305Arg).

GenMed Metabolism Lab
Classification: Pathogenic. Review status: no assertion criteria provided. Collection method: not provided. Allele origin: unknown. Not counted in ClinVar's aggregate classification.
Comment: p.Pro305Arg, Neonatal
ClinVar note: Converted during submission from pathogenic to Pathogenic.

Literature cited by the submitters: PubMed 16786505 (cited by Labcorp Genetics (formerly Invitae), Labcorp); PubMed 33272297 (cited by Labcorp Genetics (formerly Invitae), Labcorp).

NM_000531.6(OTC):c.914C>G (p.Pro305Arg)

Gene: OTC (ornithine transcarbamylase; plus strand). Cytogenetic location: Xp11.4.
Variant type: single nucleotide variant.
Coding change: c.914C>G on transcript NM_000531.6 (MANE Select); coding-DNA position 914, C replaced by G.
Protein change: p.Pro305Arg; replaces proline 305 with arginine.
Molecular consequence: missense variant.
Genome position (GRCh38, 1-based): chrX:38,411,908, C>G. VCF-style: chrX-38411908-C-G. GRCh37 (hg19) VCF-style: chrX-38271161-C-G.
Other names: short protein forms P305R.
Identifiers: ClinVar variation 97360 (VCV000097360.5), dbSNP rs67501347, ClinGen allele CA224836.